The following is an entry in ClinVar:

NM_001374736.1(DST):c.4330G>A (p.Glu1444Lys)

Gene: DST (dystonin; minus strand). Cytogenetic location: 6p12.1.
Variant type: single nucleotide variant.
Coding change: c.4330G>A on transcript NM_001374736.1 (MANE Select); coding-DNA position 4330, G replaced by A.
Protein change: p.Glu1444Lys; replaces glutamic acid 1444 with lysine.
Molecular consequence: missense variant.
Genome position (GRCh38, 1-based): chr6:56,629,395, C>T on the plus strand (G>A on the coding strand, the complement: DST is on the minus strand). VCF-style: chr6-56629395-C-T. GRCh37 (hg19) VCF-style: chr6-56494193-C-T.
Other names: c.4231G>A, p.Glu1411Lys (NM_001144769.5); c.3817G>A, p.Glu1273Lys (NM_001144770.2); c.4330G>A, p.Glu1444Lys (NM_001374722.1); c.3697G>A, p.Glu1233Lys (NM_001374729.1, NM_001374730.1, NM_001386100.1 and 1 more transcripts); c.4357G>A, p.Glu1453Lys (NM_001374734.1); c.2719G>A, p.Glu907Lys (NM_001723.7, NM_015548.5); short protein forms E907K, E1273K, E1233K, E1411K, E1444K, E1453K.
Identifiers: ClinVar variation 541476 (VCV000541476.14), dbSNP rs143924906, ClinGen allele CA3870923.

ClinVar aggregate classification (germline): Conflicting classifications of pathogenicity. Review status: criteria provided, conflicting classifications (1 of 4 stars). 3 submissions from 3 submitters: Uncertain significance (1); Likely benign (2). Last evaluated 2025-12-25.

Conditions:
Inborn genetic diseases. Identifiers: MedGen C0950123, MeSH D030342.
Hereditary sensory and autonomic neuropathy type 6. Also called: HSAN VI; Neuropathy, hereditary sensory and autonomic, type VI. Identifiers: Orphanet 314381, MedGen C3539003, MONDO:0013839, OMIM 614653.
Epidermolysis bullosa simplex 3, localized or generalized intermediate, with BP230 deficiency (EBS3). Also called: Epidermolysis bullosa simplex, autosomal recessive 2; Epidermolysis bullosa simplex due to BP230 deficiency. Identifiers: Orphanet 412181, MedGen C3809470, MONDO:0014180, OMIM 615425.

Allele frequency attached by ClinVar (database versions not stated): gnomAD exomes 0.00013 and 0.00066; gnomAD 0.00024 and 0.00031; TOPMed 0.00031; ExAC 0.00052; 1000 Genomes Project 0.00260; 1000 Genomes Project 30x 0.00281.
gnomAD v4.1: 252 of 1,613,618 alleles (0.016%); highest among the groups gnomAD compares: East Asian, 0.47%; no homozygotes.

Submissions (3):

Labcorp Genetics (formerly Invitae), Labcorp
Classification: Likely benign for Epidermolysis bullosa simplex 3, localized or generalized intermediate, with BP230 deficiency; Hereditary sensory and autonomic neuropathy type 6. Last evaluated: 2025-12-25. Review status: criteria provided, single submitter. Criteria: Invitae Variant Classification Sherloc (09022015). Collection method: clinical testing. Allele origin: germline.

GeneDx
Classification: Uncertain significance. Last evaluated: 2023-12-30. Review status: criteria provided, single submitter. Criteria: GeneDx Variant Classification Process June 2021. Collection method: clinical testing. Allele origin: germline. Affected: yes.
Comment: Has not been previously published as pathogenic or benign to our knowledge; In silico analysis supports that this missense variant has a deleterious effect on protein structure/function; Reported using the transcript encoding the epithelial isoform of the gene.

Ambry Genetics
Classification: Likely benign for Inborn genetic diseases. Last evaluated: 2020-03-31. Review status: criteria provided, single submitter. Criteria: Ambry Variant Classification Scheme 2023. Collection method: clinical testing. Allele origin: germline.